The following is an entry in ClinVar:

NM_001282531.3(ADNP):c.*1464G>A

Gene: ADNP (activity dependent neuroprotector homeobox; minus strand). Cytogenetic location: 20q13.13.
Variant type: single nucleotide variant.
Coding change: c.*1464G>A on transcript NM_001282531.3 (MANE Select); 1464 bases downstream of the stop codon, G replaced by A.
Molecular consequence: 3 prime UTR variant.
Genome position (GRCh38, 1-based): chr20:50,889,941, C>T on the plus strand (G>A on the coding strand, the complement: ADNP is on the minus strand). VCF-style: chr20-50889941-C-T. GRCh37 (hg19) VCF-style: chr20-49506478-C-T.
Other names: c.*1464G>A (NM_001282532.2, NM_001347511.2, NM_001439000.1 and 3 more transcripts).
Identifiers: ClinVar variation 4874030 (VCV004874030.2).

ClinVar aggregate classification (germline): Likely benign (1 of 4 stars; one submission).

gnomAD v4.1: 16 of 391,680 alleles (0.0041%); highest among the groups gnomAD compares: Non-Finnish European, 0.0062%; no homozygotes.

Submission:

CeGaT Center for Human Genetics Tuebingen
Classification: Likely benign. Last evaluated: 2026-06-01. Review status: criteria provided, single submitter. Criteria: CeGaT Center For Human Genetics Tuebingen Variant Classification Criteria Version 2. Collection method: clinical testing. Allele origin: germline. Affected: yes. Observed: 1 variant allele.
Comment: ADNP: BP4